The following is an entry in ClinVar:

ClinVar aggregate classification (germline): Likely benign (0 of 4 stars; one submission).

Conditions:
TUB-related disorder. Also called: TUB-related condition.

Submission:

PreventionGenetics, part of Exact Sciences
Classification: Likely benign for TUB-related condition. Last evaluated: 2022-06-20. Review status: no assertion criteria provided. Collection method: clinical testing. Allele origin: germline.
Comment: This variant is classified as likely benign based on ACMG/AMP sequence variant interpretation guidelines (Richards et al. 2015 PMID: 25741868, with internal and published modifications).

NM_177972.3(TUB):c.1206C>A (p.Arg402=)

Genes: RIC3 (RIC3 acetylcholine receptor chaperone; minus strand), TUB (TUB bipartite transcription factor; plus strand). Cytogenetic location: 11p15.4.
Variant type: single nucleotide variant.
Coding change: c.1206C>A on transcript NM_177972.3 (MANE Select); coding-DNA position 1206, C replaced by A.
Protein change: p.Arg402=; no amino-acid change (arginine 402 retained).
Molecular consequence: synonymous variant.
Genome position (GRCh38, 1-based): chr11:8,100,592, C>A. VCF-style: chr11-8100592-C-A. GRCh37 (hg19) VCF-style: chr11-8122139-C-A.
Other names: c.1371C>A, p.Arg457= (NM_003320.5).
Identifiers: ClinVar variation 3353776 (VCV003353776.1).